The following is an entry in ClinVar:

ClinVar aggregate classification (germline): Conflicting classifications of pathogenicity. Review status: criteria provided, conflicting classifications (1 of 4 stars). 3 submissions from 3 submitters: Uncertain significance (1); Likely benign (2). Last evaluated 2023-10-30.

Conditions:
Cardiovascular phenotype. Identifiers: MedGen CN230736.
Catecholaminergic polymorphic ventricular tachycardia (CVPT). Also called: Catecholamine-induced polymorphic ventricular tachycardia. Identifiers: Orphanet 3286, MedGen C5574922, MONDO:0017990.
Catecholaminergic polymorphic ventricular tachycardia 1. Also called: VENTRICULAR TACHYCARDIA, CATECHOLAMINERGIC POLYMORPHIC, 1, WITH OR WITHOUT ATRIAL DYSFUNCTION AND/OR DILATED CARDIOMYOPATHY; VENTRICULAR TACHYCARDIA, STRESS-INDUCED POLYMORPHIC 1; RYR2-Related Catecholaminergic Polymorphic Ventricular Tachycardia. Identifiers: Orphanet 3286, MedGen C1631597, MONDO:0011484, OMIM 604772.

Allele frequency attached by ClinVar (database versions not stated): gnomAD exomes below 0.00001.
gnomAD v4.1: 5 of 1,613,822 alleles (0.00031%); highest among the groups gnomAD compares: Non-Finnish European, 0.00042%; no homozygotes.

Submissions (3):

Labcorp Genetics (formerly Invitae), Labcorp
Classification: Likely benign for Catecholaminergic polymorphic ventricular tachycardia 1. Last evaluated: 2023-10-30. Review status: criteria provided, single submitter. Criteria: Invitae Variant Classification Sherloc (09022015). Collection method: clinical testing. Allele origin: germline.

All of Us Research Program, National Institutes of Health
Classification: Uncertain significance for Catecholaminergic polymorphic ventricular tachycardia. Last evaluated: 2023-05-16. Review status: criteria provided, single submitter. Criteria: ACMG Guidelines, 2015. Collection method: clinical testing. Allele origin: germline. Inheritance: Autosomal dominant inheritance. Observed: 1 variant allele, 1 heterozygote.
Comment: This variant is located in the RYR2 protein. To our knowledge, functional studies have not been reported for this variant. This variant has not been reported in individuals affected with RYR2-related disorders in the literature. This variant has not been identified in the general population by the Genome Aggregation Database (gnomAD). The available evidence is insufficient to determine the role of this variant in disease conclusively. Therefore, this variant is classified as a Variant of Uncertain Significance.

This study involves interpretation of variants in research participants for the purpose of population health screening. Participant phenotype was not available at the time of variant classification. Additional details can be found in publication PMID: 35346344, PMCID: PMC8962531

Ambry Genetics
Classification: Likely benign for Cardiovascular phenotype. Last evaluated: 2021-04-28. Review status: criteria provided, single submitter. Criteria: Ambry Variant Classification Scheme 2023. Collection method: clinical testing. Allele origin: germline.

NM_001035.3(RYR2):c.12717G>C (p.Leu4239=)

Genes: RYR2 (ryanodine receptor 2; plus strand), LOC126806068 (BRD4-independent group 4 enhancer GRCh37_chr1:237947411-237948610; plus strand). Cytogenetic location: 1q43.
Variant type: single nucleotide variant.
Coding change: c.12717G>C on transcript NM_001035.3 (MANE Select); coding-DNA position 12717, G replaced by C.
Protein change: p.Leu4239=; no amino-acid change (leucine 4239 retained).
Molecular consequence: synonymous variant.
Genome position (GRCh38, 1-based): chr1:237,784,429, G>C. VCF-style: chr1-237784429-G-C. GRCh37 (hg19) VCF-style: chr1-237947729-G-C.
Identifiers: ClinVar variation 1765515 (VCV001765515.6), dbSNP rs2527790378, ClinGen allele CA424032227.